The following is an entry in ClinVar:

NM_032977.4(CASP10):c.923-12G>T

Gene: CASP10 (caspase 10; plus strand). Cytogenetic location: 2q33.1.
Variant type: single nucleotide variant.
Coding change: c.923-12G>T on transcript NM_032977.4 (MANE Select); 12 bases into the intron before coding-DNA position 923, G replaced by T.
Molecular consequence: intron variant.
Genome position (GRCh38, 1-based): chr2:201,209,058, G>T. VCF-style: chr2-201209058-G-T. GRCh37 (hg19) VCF-style: chr2-202073781-G-T.
Other names: c.923-12G>T (NM_032974.5); c.794-12G>T (NM_001206542.2, NM_001230.5); c.*9-12G>T (NM_032976.4); c.722-12G>T (NM_001206524.2).
Identifiers: ClinVar variation 333433 (VCV000333433.17), dbSNP rs201904750, ClinGen allele CA2053132.

ClinVar aggregate classification (germline): Benign. Review status: criteria provided, multiple submitters, no conflicts (2 of 4 stars). 3 submissions from 3 submitters: Benign (3). Last evaluated 2026-02-01.

Conditions:
Autoimmune lymphoproliferative syndrome type 2A (ALPS2A). Also called: CASP10-Related Autoimmune Lymphoproliferative Syndrome; AUTOIMMUNE LYMPHOPROLIFERATIVE SYNDROME, TYPE IIA; Autoimmune lymphoproliferative syndrome type 2. Identifiers: Orphanet 3261, MedGen C1858968, MONDO:0011383, OMIM 603909.

Submissions (3):

Labcorp Genetics (formerly Invitae), Labcorp
Classification: Benign for Autoimmune lymphoproliferative syndrome type 2A. Last evaluated: 2026-02-01. Review status: criteria provided, single submitter. Criteria: Invitae Variant Classification Sherloc (09022015). Collection method: clinical testing. Allele origin: germline.

Illumina Laboratory Services, Illumina
Classification: Benign for Autoimmune lymphoproliferative syndrome type 2A. Last evaluated: 2018-01-13. Review status: criteria provided, single submitter. Criteria: ICSL Variant Classification Criteria 13 December 2019. Collection method: clinical testing. Allele origin: germline.
Comment: This variant was observed in the ICSL laboratory as part of a predisposition screen in an ostensibly healthy population. It had not been previously curated by ICSL or reported in the Human Gene Mutation Database (HGMD: prior to June 1st, 2018), and was therefore a candidate for classification through an automated scoring system. Utilizing variant allele frequency, disease prevalence and penetrance estimates, and inheritance mode, an automated score was calculated to assess if this variant is too frequent to cause the disease. Based on the score and internal cut-off values, a variant classified as benign is not then subjected to further curation. The score for this variant resulted in a classification of benign for this disease.

Breakthrough Genomics
Classification: Benign. Review status: criteria provided, single submitter. Criteria: ACMG Guidelines, 2015. Collection method: not provided. Allele origin: germline. Inheritance: Autosomal dominant inheritance. Affected: yes.